The following is an entry in ClinVar:

NM_139058.3(ARX):c.19G>A (p.Glu7Lys)

Gene: ARX (aristaless related homeobox; minus strand). Cytogenetic location: Xp21.3.
Variant type: single nucleotide variant.
Coding change: c.19G>A on transcript NM_139058.3 (MANE Select); coding-DNA position 19, G replaced by A.
Protein change: p.Glu7Lys; replaces glutamic acid 7 with lysine.
Molecular consequence: missense variant.
Genome position (GRCh38, 1-based): chrX:25,015,719, C>T on the plus strand (G>A on the coding strand, the complement: ARX is on the minus strand). VCF-style: chrX-25015719-C-T. GRCh37 (hg19) VCF-style: chrX-25033836-C-T.
Other names: short protein forms E7K.
Identifiers: ClinVar variation 2198466 (VCV002198466.4), dbSNP rs1210404617, ClinGen allele CA412614077.
Genomic context (GRCh38, chrX:25,015,719, plus strand): 5'-AGGAGGAGAGCAAAGTTGGAGATTTACTTTTGCACTCGGGCCTCTCGGAGCAGCCCTCCT[C>T]CTGGTACTGATTGCTCATGGCTGGGGCTTTTTCCCAGGGCGCAGAGAGCGGATCGCCGGC-3'
Protein context (NP_620689.1, residues 1-17): MSNQYQ[Glu7Lys]EGCSERPECK

ClinVar aggregate classification (germline): Uncertain significance (1 of 4 stars; one submission).

Conditions:
Developmental and epileptic encephalopathy, 1 (DEE1). Also called: X-linked infantile spasms; West's syndrome; Tonic spasms with clustering, arrest of psychomotor development and hypsarrhythmia on EEG; X-Linked Infantile Spasm Syndrome; OHTAHARA SYNDROME, X-LINKED; INFANTILE SPASM SYNDROME, X-LINKED 1. Identifiers: MedGen C3463992, MONDO:0010632, OMIM 308350. Disease mechanism: loss of function.
Intellectual disability, X-linked, with or without seizures, ARX-related. Also called: INTELLECTUAL DEVELOPMENTAL DISORDER, X-LINKED 29; MENTAL RETARDATION, X-LINKED 29; MENTAL RETARDATION, X-LINKED 32; MENTAL RETARDATION, X-LINKED 33; MENTAL RETARDATION, X-LINKED 38; MENTAL RETARDATION, X-LINKED 43. Identifiers: Orphanet 777, MedGen C0796244, MONDO:0010317, OMIM 300419.

Allele frequency attached by ClinVar (database versions not stated): gnomAD exomes below 0.00001.

Submission:

Labcorp Genetics (formerly Invitae), Labcorp
Classification: Uncertain significance for Developmental and epileptic encephalopathy, 1; Intellectual disability, X-linked, with or without seizures, ARX-related. Last evaluated: 2023-07-25. Review status: criteria provided, single submitter. Criteria: Invitae Variant Classification Sherloc (09022015). Collection method: clinical testing. Allele origin: germline.
Comment: In summary, the available evidence is currently insufficient to determine the role of this variant in disease. Therefore, it has been classified as a Variant of Uncertain Significance. Advanced modeling of protein sequence and biophysical properties (such as structural, functional, and spatial information, amino acid conservation, physicochemical variation, residue mobility, and thermodynamic stability) has been performed at Invitae for this missense variant, however the output from this modeling did not meet the statistical confidence thresholds required to predict the impact of this variant on ARX protein function. This sequence change replaces glutamic acid, which is acidic and polar, with lysine, which is basic and polar, at codon 7 of the ARX protein (p.Glu7Lys). The frequency data for this variant in the population databases is considered unreliable, as metrics indicate poor data quality at this position in the gnomAD database. This variant has not been reported in the literature in individuals affected with ARX-related conditions. ClinVar contains an entry for this variant (Variation ID: 2198466).